The following is an entry in ClinVar:

NM_020791.4(TAOK1):c.305G>T (p.Trp102Leu)

Gene: TAOK1 (TAO kinase 1; plus strand). Cytogenetic location: 17q11.2.
Variant type: single nucleotide variant.
Coding change: c.305G>T on transcript NM_020791.4 (MANE Select); coding-DNA position 305, G replaced by T.
Protein change: p.Trp102Leu; replaces tryptophan 102 with leucine.
Molecular consequence: missense variant.
Genome position (GRCh38, 1-based): chr17:29,475,770, G>T. VCF-style: chr17-29475770-G-T. GRCh37 (hg19) VCF-style: chr17-27802788-G-T.
Other names: c.305G>T, p.Trp102Leu (NM_025142.1); short protein forms W102L.
Identifiers: ClinVar variation 3965357 (VCV003965357.2).

ClinVar aggregate classification (germline): Uncertain significance (1 of 4 stars; one submission).

Conditions:
Inborn genetic diseases. Identifiers: MedGen C0950123, MeSH D030342.

Submission:

Ambry Genetics
Classification: Uncertain significance for Inborn genetic diseases. Last evaluated: 2025-07-02. Review status: criteria provided, single submitter. Criteria: Ambry Variant Classification Scheme 2023. Collection method: clinical testing. Allele origin: germline.
Comment: The c.305G>T (p.W102L) alteration is located in exon 4 (coding exon 3) of the TAOK1 gene. This alteration results from a G to T substitution at nucleotide position 305, causing the tryptophan (W) at amino acid position 102 to be replaced by a leucine (L). This variant was not reported in population-based cohorts in the Genome Aggregation Database (gnomAD). This amino acid position is highly conserved in available vertebrate species. This missense alteration is located in a region that has a low rate of benign missense variation (Lek, 2016; Firth, 2009).N/A This alteration is predicted to be deleterious by in silico analysis. Based on insufficient or conflicting evidence, the clinical significance of this alteration remains unclear.